The following is an entry in ClinVar:

ClinVar aggregate classification (germline): Uncertain significance. Review status: criteria provided, multiple submitters, no conflicts (2 of 4 stars). 8 submissions from 8 submitters: Uncertain significance (8). Last evaluated 2026-08-02.

Conditions:
Inborn genetic diseases. Identifiers: MedGen C0950123, MeSH D030342.
Developmental and epileptic encephalopathy, 18 (DEE18). Also called: Early infantile epileptic encephalopathy 18. Identifiers: Orphanet 369894, MedGen C3809624, MONDO:0014201, OMIM 615476.

Allele frequency attached by ClinVar (database versions not stated): gnomAD exomes 0.00002 and 0.00007; ExAC 0.00011; gnomAD 0.00027 and 0.00031; TOPMed 0.00032; ESP Exome Variant Server 0.00038.
gnomAD v4.1: 78 of 1,613,376 alleles (0.0048%); highest among the groups gnomAD compares: African/African-American, 0.092%; no homozygotes.

Submissions (8):

GeneDx
Classification: Uncertain significance. Last evaluated: 2026-08-02. Review status: criteria provided, single submitter. Criteria: GeneDx Variant Classification Process June 2021. Collection method: clinical testing. Allele origin: germline.
Comment: In silico analysis suggests that this missense variant does not alter protein structure/function; Has not been previously published as pathogenic or benign to our knowledge

Women's Health and Genetics/Laboratory Corporation of America, LabCorp
Classification: Uncertain significance. Last evaluated: 2025-01-29. Review status: criteria provided, single submitter. Criteria: LabCorp Variant Classification Summary - May 2015. Collection method: clinical testing. Allele origin: germline.
Comment: Variant summary: SZT2 c.4792C>T (p.Pro1598Ser) results in a non-conservative amino acid change in the encoded protein sequence. Two of four in-silico tools predict a benign effect of the variant on protein function. The variant allele was found at a frequency of 7.2e-05 in 250846 control chromosomes. This frequency is not significantly higher than estimated for a pathogenic variant in SZT2 causing Early Infantile Epileptic Encephalopathy 18, allowing no conclusion about variant significance. To our knowledge, no occurrence of c.4792C>T in individuals affected with Early Infantile Epileptic Encephalopathy 18 and no experimental evidence demonstrating its impact on protein function have been reported. ClinVar contains an entry for this variant (Variation ID: 642190). Based on the evidence outlined above, the variant was classified as uncertain significance.

Genome-Nilou Lab
Classification: Uncertain significance for Developmental and epileptic encephalopathy, 18. Last evaluated: 2023-04-11. Review status: criteria provided, single submitter. Criteria: ACMG Guidelines, 2015. Collection method: clinical testing. Allele origin: germline. Affected: no.

Blueprint Genetics
Classification: Uncertain significance. Last evaluated: 2022-12-13. Review status: criteria provided, single submitter. Criteria: ACMG Guidelines, 2015. Collection method: clinical testing. Allele origin: germline.

Labcorp Genetics (formerly Invitae), Labcorp
Classification: Uncertain significance. Last evaluated: 2022-09-27. Review status: criteria provided, single submitter. Criteria: Invitae Variant Classification Sherloc (09022015). Collection method: clinical testing. Allele origin: germline.
Comment: This sequence change replaces proline, which is neutral and non-polar, with serine, which is neutral and polar, at codon 1598 of the SZT2 protein (p.Pro1598Ser). This variant is present in population databases (rs144139818, gnomAD 0.1%). This variant has not been reported in the literature in individuals affected with SZT2-related conditions. ClinVar contains an entry for this variant (Variation ID: 642190). Advanced modeling of protein sequence and biophysical properties (such as structural, functional, and spatial information, amino acid conservation, physicochemical variation, residue mobility, and thermodynamic stability) performed at Invitae indicates that this missense variant is not expected to disrupt SZT2 protein function. In summary, the available evidence is currently insufficient to determine the role of this variant in disease. Therefore, it has been classified as a Variant of Uncertain Significance.

Fulgent Genetics
Classification: Uncertain significance for Developmental and epileptic encephalopathy, 18. Last evaluated: 2022-02-02. Review status: criteria provided, single submitter. Criteria: ACMG Guidelines, 2015. Collection method: clinical testing. Allele origin: unknown.

Ambry Genetics
Classification: Uncertain significance for Inborn genetic diseases. Last evaluated: 2021-10-05. Review status: criteria provided, single submitter. Criteria: Ambry Variant Classification Scheme 2023. Collection method: clinical testing. Allele origin: germline.

New York Genome Center
Classification: Uncertain significance for Developmental and epileptic encephalopathy, 18. Last evaluated: 2020-02-04. Review status: criteria provided, single submitter. Criteria: NYGC Assertion Criteria 2020. Collection method: clinical testing. Allele origin: germline. Observed: 1 heterozygote. Study: CSER-NYCKidSeq.

NM_001365999.1(SZT2):c.4963C>T (p.Pro1655Ser)

Gene: SZT2 (SZT2 subunit of KICSTOR complex; plus strand). Cytogenetic location: 1p34.2.
Variant type: single nucleotide variant.
Coding change: c.4963C>T on transcript NM_001365999.1 (MANE Select); coding-DNA position 4963, C replaced by T.
Protein change: p.Pro1655Ser; replaces proline 1655 with serine.
Molecular consequence: missense variant.
Genome position (GRCh38, 1-based): chr1:43,431,311, C>T. VCF-style: chr1-43431311-C-T. GRCh37 (hg19) VCF-style: chr1-43896982-C-T.
Other names: c.4792C>T, p.Pro1598Ser (NM_015284.4); short protein forms P1598S, P1655S.
Identifiers: ClinVar variation 642190 (VCV000642190.19), dbSNP rs144139818, ClinGen allele CA809429.